The following is an entry in ClinVar:

ClinVar aggregate classification (germline): Uncertain significance (1 of 4 stars; one submission).

Submission:

Labcorp Genetics (formerly Invitae), Labcorp
Classification: Uncertain significance. Last evaluated: 2024-04-20. Review status: criteria provided, single submitter. Criteria: Invitae Variant Classification Sherloc (09022015). Collection method: clinical testing. Allele origin: germline.
Comment: This variant, c.488_496dup, results in the insertion of 3 amino acid(s) of the MICAL1 protein (p.Tyr163_Arg165dup), but otherwise preserves the integrity of the reading frame. This variant is not present in population databases (gnomAD no frequency). This variant has not been reported in the literature in individuals affected with MICAL1-related conditions. In summary, the available evidence is currently insufficient to determine the role of this variant in disease. Therefore, it has been classified as a Variant of Uncertain Significance.

NM_022765.4(MICAL1):c.431_439dup (p.Arg146_Phe147insTyrGlyArg)

Gene: MICAL1 (microtubule associated monooxygenase, calponin and LIM domain containing 1; minus strand). Cytogenetic location: 6q21.
Variant type: Duplication.
Coding change: c.431_439dup on transcript NM_022765.4 (MANE Select); coding-DNA positions 431 to 439, 9 bases duplicated (ACGGGCGCT; older notation c.431_439dupACGGGCGCT).
Protein change: p.Arg146_Phe147insTyrGlyArg.
Molecular consequence: inframe insertion.
Genome position (GRCh38, 1-based): chr6:109,453,665-109,453,673, AGCGCCCGT duplicated on the plus strand (ACGGGCGCT on the coding strand, the reverse complement: MICAL1 is on the minus strand); duplicating any 9 consecutive bases within chr6:109,453,665-109,453,675 gives the same sequence; the c. name uses the placement nearest the transcript's 3' end. VCF-style (leftmost placement, unchanged base first): chr6-109453664-A-AAGCGCCCGT. GRCh37 (hg19) VCF-style: chr6-109774867-A-AAGCGCCCGT.
Other names: c.431_439dup, p.Arg146_Phe147insTyrGlyArg (NM_001159291.2); c.488_496dup, p.Arg165_Phe166insTyrGlyArg (NM_001286613.2).
Identifiers: ClinVar variation 2779139 (VCV002779139.3), dbSNP rs2482814806, ClinGen allele CA2739265932.
Genomic context (GRCh38, chr6:109,453,664, plus strand): 5'-CACCCGCCCCTCCAGGCCACCACGTGGTGCTCACTGATGTGGTCCAGGGTGCCGGTGCAG[A>AAGCGCCCGT]AGCGCCCGTAGAACTTCTTAGCACCGAGTGCCCGCAGGTCGTGGATGGTGAAGGGCCAGA-3'